The following is an entry in ClinVar:

NM_020964.3(EPG5):c.1370T>C (p.Leu457Pro)

Genes: EPG5 (ectopic P-granules 5 autophagy tethering factor; minus strand), LOC126862737 (P300/CBP strongly-dependent group 1 enhancer GRCh37_chr18:43530707-43531906; plus strand). Cytogenetic location: 18q21.1.
Variant type: single nucleotide variant.
Coding change: c.1370T>C on transcript NM_020964.3 (MANE Select); coding-DNA position 1370, T replaced by C.
Protein change: p.Leu457Pro; replaces leucine 457 with proline.
Molecular consequence: missense variant.
Genome position (GRCh38, 1-based): chr18:45,951,121, A>G on the plus strand (T>C on the coding strand, the complement: EPG5 is on the minus strand). VCF-style: chr18-45951121-A-G. GRCh37 (hg19) VCF-style: chr18-43531087-A-G.
Other names: c.1370T>C, p.Leu457Pro (LRG_1234t1); short protein forms L457P.
Identifiers: ClinVar variation 626240 (VCV000626240.2), dbSNP rs746862679, ClinGen allele CA8949752.

ClinVar aggregate classification (germline): Uncertain significance (1 of 4 stars; one submission).

Conditions:
Vici syndrome (VICIS). Identifiers: Orphanet 1493, MedGen C1855772, MONDO:0009452, OMIM 242840.

Allele frequency attached by ClinVar (database versions not stated): gnomAD exomes below 0.00001 and 0.00001; ExAC 0.00001; gnomAD 0.00001; TOPMed 0.00001.

Submission:

SIB Swiss Institute of Bioinformatics
Classification: Uncertain significance for Vici syndrome. Last evaluated: 2019-01-17. Review status: criteria provided, single submitter. Criteria: ACMG Guidelines, 2015. Collection method: curation. Allele origin: unknown.
Comment: This variant is interpreted as a Uncertain significance for Vici syndrome, autosomal recessive. The following ACMG Tag(s) were applied: PM2 => Absent from controls (or at extremely low frequency if recessive) in Exome Sequencing Project, 1000 Genomes Project, or Exome Aggregation Consortium.

ClinGen:CA8949752

Literature cited by the submitters: PubMed 23222957.